The following is an entry in ClinVar:

ClinVar aggregate classification (germline): Likely pathogenic (1 of 4 stars; one submission).

Conditions:
Renal hypodysplasia/aplasia 3 (RHDA3). Identifiers: MedGen C4540497, MONDO:0024520, OMIM 617805.

Submission:

Juno Genomics, Hangzhou Juno Genomics, Inc
Classification: Likely pathogenic for Renal hypodysplasia/aplasia 3. Review status: criteria provided, single submitter. Criteria: ACMG Guidelines, 2015. Collection method: clinical testing. Allele origin: germline. Affected: yes.
Comment: Absent from controls (or at extremely low frequency if recessive) in Genome Aggregation Database, Exome Sequencing Project, 1000 Genomes Project, or Exome Aggregation Consortium.;Null variant in a gene where loss of function (LOF) is a known mechanism of disease.

NM_001142966.3(GREB1L):c.2621G>A (p.Trp874Ter)

Gene: GREB1L (GREB1 like retinoic acid receptor coactivator; plus strand). Cytogenetic location: 18q11.1.
Variant type: single nucleotide variant.
Coding change: c.2621G>A on transcript NM_001142966.3 (MANE Select); coding-DNA position 2621, G replaced by A.
Protein change: p.Trp874Ter; replaces tryptophan 874 with a stop codon.
Molecular consequence: nonsense.
Genome position (GRCh38, 1-based): chr18:21,485,684, G>A. VCF-style: chr18-21485684-G-A. GRCh37 (hg19) VCF-style: chr18-19065645-G-A.
Other names: c.2750G>A, p.Trp917Ter (NM_001410867.1); c.2294G>A, p.Trp765Ter (NM_001410868.1); short protein forms W765*, W874*, W917*.
Identifiers: ClinVar variation 3382612 (VCV003382612.2).